The following is an entry in ClinVar:

ClinVar aggregate classification (germline): Likely benign. Review status: criteria provided, multiple submitters, no conflicts (2 of 4 stars). 3 submissions from 3 submitters: Likely benign (3). Last evaluated 2025-12-02.

Conditions:
Inborn genetic diseases. Identifiers: MedGen C0950123, MeSH D030342.
Neuropathy, hereditary sensory, type 2C. Also called: KIF1A-Related HSAN2 (HSAN2C); Hereditary sensory and autonomic neuropathy type IIC. Identifiers: Orphanet 970, MedGen C3280168, MONDO:0013634, OMIM 614213.
Intellectual disability, autosomal dominant 9 (NESCAVS). Also called: NESCAV SYNDROME; KIF1A-Related Neurodevelopmental Disorder. Identifiers: Orphanet 662367, MedGen C5393830, MONDO:0013656, OMIM 614255.
Hereditary spastic paraplegia 30. Identifiers: Orphanet 101010, MedGen C5235139, MONDO:0012476.

Allele frequency attached by ClinVar (database versions not stated): gnomAD 0.00001; TOPMed 0.00001; gnomAD exomes 0.00002.
gnomAD v4.1: 34 of 1,613,332 alleles (0.0021%); highest among the groups gnomAD compares: Admixed American, 0.005%; no homozygotes.

Submissions (3):

Labcorp Genetics (formerly Invitae), Labcorp
Classification: Likely benign for Hereditary spastic paraplegia 30; Neuropathy, hereditary sensory, type 2C; Intellectual disability, autosomal dominant 9. Last evaluated: 2025-12-02. Review status: criteria provided, single submitter. Criteria: Invitae Variant Classification Sherloc (09022015). Collection method: clinical testing. Allele origin: germline.

Mayo Clinic Laboratories, Mayo Clinic
Classification: Likely benign. Last evaluated: 2025-02-12. Review status: criteria provided, single submitter. Criteria: ACMG Guidelines, 2015. Collection method: clinical testing. Allele origin: germline. Observed: 2 variant alleles.
Comment: BP4, BP7

Ambry Genetics
Classification: Likely benign for Inborn genetic diseases. Last evaluated: 2019-03-28. Review status: criteria provided, single submitter. Criteria: Ambry Variant Classification Scheme 2023. Collection method: clinical testing. Allele origin: germline.

NM_001244008.2(KIF1A):c.3045T>C (p.Asp1015=)

Gene: KIF1A (kinesin family member 1A; minus strand). Cytogenetic location: 2q37.3.
Variant type: single nucleotide variant.
Coding change: c.3045T>C on transcript NM_001244008.2 (MANE Select); coding-DNA position 3045, T replaced by C.
Protein change: p.Asp1015=; no amino-acid change (aspartic acid 1015 retained).
Molecular consequence: synonymous variant.
Genome position (GRCh38, 1-based): chr2:240,747,254, A>G on the plus strand (T>C on the coding strand, the complement: KIF1A is on the minus strand). VCF-style: chr2-240747254-A-G. GRCh37 (hg19) VCF-style: chr2-241686671-A-G.
Other names: p.Asp914=; c.2742T>C (NM_004321.7); c.2769T>C, p.Asp923= (NM_001320705.2, NM_001330289.2, NM_001379638.1); c.2844T>C, p.Asp948= (NM_001330290.2, NM_001379634.1, NM_001379635.1 and 1 more transcripts); c.3120T>C, p.Asp1040= (NM_001379631.1); c.2994T>C, p.Asp998= (NM_001379632.1); c.3018T>C, p.Asp1006= (NM_001379633.1, NM_001379642.1, NM_001379645.1); c.2742T>C, p.Asp914= (NM_001379636.1, NM_001379639.1, NM_001379640.1 and 6 more transcripts); and 1 more.
Identifiers: ClinVar variation 1104950 (VCV001104950.12), dbSNP rs757187351, ClinGen allele CA68158637.
Genomic context (GRCh38, chr2:240,747,254, plus strand): 5'-CCAGGCACCTCCAGGTCTGGGACTCGGGAGGGAGCTTGGTACCTTTTCAAAATGCTGGTC[A>G]TCAAAGGAGATTTTAGCAGTTCCCGACTGGCGGACGCCAGAGCCATAATCAGGGGCCTCT-3'
Protein context (NP_001230937.1, residues 1005-1025): RQSGTAKISF[Asp1015=]DQHFEKFQSE